The following is an entry in ClinVar:

NM_002336.3(LRP6):c.2608C>G (p.Gln870Glu)

Gene: LRP6 (LDL receptor related protein 6; minus strand). Cytogenetic location: 12p13.2.
Variant type: single nucleotide variant.
Coding change: c.2608C>G on transcript NM_002336.3 (MANE Select); coding-DNA position 2608, C replaced by G.
Protein change: p.Gln870Glu; replaces glutamine 870 with glutamic acid.
Molecular consequence: missense variant. On other transcripts: non-coding transcript variant (1).
Genome position (GRCh38, 1-based): chr12:12,159,012, G>C on the plus strand (C>G on the coding strand, the complement: LRP6 is on the minus strand). VCF-style: chr12-12159012-G-C. GRCh37 (hg19) VCF-style: chr12-12311946-G-C.
Other names: c.2608C>G, p.Gln870Glu (NM_001414244.1, NM_001414245.1, NM_001414246.1 and 4 more transcripts); c.2410C>G, p.Gln804Glu (NM_001414247.1); c.2155C>G, p.Gln719Glu (NM_001414252.1, NM_001414253.1, NM_001414254.1); c.2101C>G, p.Gln701Glu (NM_001414255.1); short protein forms Q719E, Q870E, Q804E, Q701E.
Identifiers: ClinVar variation 4742769 (VCV004742769.1).

ClinVar aggregate classification (germline): Uncertain significance (1 of 4 stars; one submission).

gnomAD v4.1: 3 of 1,614,188 alleles (0.00019%); highest among the groups gnomAD compares: South Asian, 0.0011%; no homozygotes.

Submission:

Labcorp Genetics (formerly Invitae), Labcorp
Classification: Uncertain significance. Last evaluated: 2025-02-07. Review status: criteria provided, single submitter. Criteria: Invitae Variant Classification Sherloc (09022015). Collection method: clinical testing. Allele origin: germline.
Comment: This sequence change replaces glutamine, which is neutral and polar, with glutamic acid, which is acidic and polar, at codon 870 of the LRP6 protein (p.Gln870Glu). This variant is not present in population databases (gnomAD no frequency). This variant has not been reported in the literature in individuals affected with LRP6-related conditions. Invitae Evidence Modeling of protein sequence and biophysical properties (such as structural, functional, and spatial information, amino acid conservation, physicochemical variation, residue mobility, and thermodynamic stability) indicates that this missense variant is not expected to disrupt LRP6 protein function with a negative predictive value of 80%. In summary, the available evidence is currently insufficient to determine the role of this variant in disease. Therefore, it has been classified as a Variant of Uncertain Significance.